The following is an entry in ClinVar:

ClinVar aggregate classification (germline): Likely benign. Review status: criteria provided, multiple submitters, no conflicts (2 of 4 stars). 2 submissions from 2 submitters: Likely benign (2). Last evaluated 2025-02-16.

gnomAD v4.1: 23 of 1,614,078 alleles (0.0014%); highest among the groups gnomAD compares: East Asian, 0.0067%; no homozygotes.

Submissions (2):

Laboratory of Genetics, Children's Clinical University Hospital Latvia
Classification: Likely benign. Last evaluated: 2025-02-16. Review status: criteria provided, single submitter. Criteria: ACMG Guidelines, 2015. Collection method: clinical testing. Allele origin: germline. Affected: yes.

CeGaT Center for Human Genetics Tuebingen
Classification: Likely benign. Last evaluated: 2025-02-01. Review status: criteria provided, single submitter. Criteria: CeGaT Center For Human Genetics Tuebingen Variant Classification Criteria Version 2. Collection method: clinical testing. Allele origin: germline. Affected: yes. Observed: 1 variant allele.
Comment: CDC42BPB: BP4

NM_006035.4(CDC42BPB):c.1295G>A (p.Arg432Gln)

Gene: CDC42BPB (CDC42 binding protein kinase beta; minus strand). Cytogenetic location: 14q32.32.
Variant type: single nucleotide variant.
Coding change: c.1295G>A on transcript NM_006035.4 (MANE Select); coding-DNA position 1295, G replaced by A.
Protein change: p.Arg432Gln; replaces arginine 432 with glutamine.
Molecular consequence: missense variant.
Genome position (GRCh38, 1-based): chr14:102,975,975, C>T on the plus strand (G>A on the coding strand, the complement: CDC42BPB is on the minus strand). VCF-style: chr14-102975975-C-T. GRCh37 (hg19) VCF-style: chr14-103442312-C-T.
Other names: c.1295G>A, p.Arg432Gln (NM_001411054.1); short protein forms R432Q.
Identifiers: ClinVar variation 3770967 (VCV003770967.14).